The following is an entry in ClinVar:

ClinVar aggregate classification (germline): Uncertain significance (1 of 4 stars; one submission).

Conditions:
Arrhythmogenic right ventricular dysplasia 9 (ARVD9). Also called: Arrhythmogenic Right Ventricular Dysplasia/Cardiomyopathy 9; ARRHYTHMOGENIC RIGHT VENTRICULAR DYSPLASIA, FAMILIAL, 9. Identifiers: MedGen C1836906, MONDO:0012180, OMIM 609040.

gnomAD v4.1: 4 of 1,613,940 alleles (0.00025%); highest among the groups gnomAD compares: Non-Finnish European, 0.00034%; no homozygotes.

Submission:

Labcorp Genetics (formerly Invitae), Labcorp
Classification: Uncertain significance for Arrhythmogenic right ventricular dysplasia 9. Last evaluated: 2024-03-27. Review status: criteria provided, single submitter. Criteria: Invitae Variant Classification Sherloc (09022015). Collection method: clinical testing. Allele origin: germline.
Comment: This sequence change replaces valine, which is neutral and non-polar, with glycine, which is neutral and non-polar, at codon 868 of the PKP2 protein (p.Val868Gly). This variant is not present in population databases (gnomAD no frequency). This variant has not been reported in the literature in individuals affected with PKP2-related conditions. An algorithm developed to predict the effect of missense changes on protein structure and function (PolyPhen-2) suggests that this variant is likely to be disruptive. In summary, the available evidence is currently insufficient to determine the role of this variant in disease. Therefore, it has been classified as a Variant of Uncertain Significance.

NM_001005242.3(PKP2):c.2471T>G (p.Val824Gly)

Gene: PKP2 (plakophilin 2; minus strand). Cytogenetic location: 12p11.21.
Variant type: single nucleotide variant.
Coding change: c.2471T>G on transcript NM_001005242.3 (MANE Select); coding-DNA position 2471, T replaced by G.
Protein change: p.Val824Gly; replaces valine 824 with glycine.
Molecular consequence: missense variant.
Genome position (GRCh38, 1-based): chr12:32,792,467, A>C on the plus strand (T>G on the coding strand, the complement: PKP2 is on the minus strand). VCF-style: chr12-32792467-A-C. GRCh37 (hg19) VCF-style: chr12-32945401-A-C.
Other names: c.2281T>G, p.Ser761Ala (NM_001407155.1); c.2306T>G, p.Val769Gly (NM_001407156.1); c.2144T>G, p.Val715Gly (NM_001407158.1, NM_001407159.1); c.1954T>G, p.Ser652Ala (NM_001407160.1); c.2603T>G, p.Val868Gly (NM_004572.4); short protein forms S761A, V824G, S652A, V769G, V715G, V868G.
Identifiers: ClinVar variation 2956382 (VCV002956382.3), dbSNP rs752195586, ClinGen allele CA384356755.